The following is an entry in ClinVar:

NM_000217.3(KCNA1):c.409A>G (p.Ile137Val)

Gene: KCNA1 (potassium voltage-gated channel subfamily A member 1; plus strand). Cytogenetic location: 12p13.32.
Variant type: single nucleotide variant.
Coding change: c.409A>G on transcript NM_000217.3 (MANE Select); coding-DNA position 409, A replaced by G.
Protein change: p.Ile137Val; replaces isoleucine 137 with valine.
Molecular consequence: missense variant.
Genome position (GRCh38, 1-based): chr12:4,911,787, A>G. VCF-style: chr12-4911787-A-G. GRCh37 (hg19) VCF-style: chr12-5020953-A-G.
Other names: short protein forms I137V.
Identifiers: ClinVar variation 2877218 (VCV002877218.4), dbSNP rs1264181777, ClinGen allele CA383454500.
Genomic context (GRCh38, chr12:4,911,787, plus strand): 5'-ATCAAGTTTTACGAGTTGGGCGAGGAGGCCATGGAGAAGTTCCGGGAGGACGAGGGCTTC[A>G]TCAAGGAGGAGGAGCGCCCTCTGCCCGAGAAGGAGTACCAGCGCCAGGTGTGGCTGCTCT-3'
Protein context (NP_000208.2, residues 127-147): MEKFREDEGF[Ile137Val]KEEERPLPEK

ClinVar aggregate classification (germline): Uncertain significance. Review status: criteria provided, multiple submitters, no conflicts (2 of 4 stars). 2 submissions from 2 submitters: Uncertain significance (2). Last evaluated 2024-02-25.

Conditions:
Episodic ataxia type 1 (EA1). Also called: ATAXIA, EPISODIC, WITH MYOKYMIA; MYOKYMIA WITH PERIODIC ATAXIA; PAROXYSMAL ATAXIA WITH NEUROMYOTONIA, HEREDITARY; Episodic ataxia/myokymia syndrome. Identifiers: Orphanet 37612, Orphanet 972, MedGen C1719788, MONDO:0008047, OMIM 160120.

Allele frequency attached by ClinVar (database versions not stated): gnomAD exomes below 0.00001; TOPMed 0.00001.
gnomAD v4.1: 2 of 1,613,960 alleles (0.00012%); highest among the groups gnomAD compares: South Asian, 0.0011%; no homozygotes.

Submissions (2):

Labcorp Genetics (formerly Invitae), Labcorp
Classification: Uncertain significance for Episodic ataxia type 1. Last evaluated: 2024-02-25. Review status: criteria provided, single submitter. Criteria: Invitae Variant Classification Sherloc (09022015). Collection method: clinical testing. Allele origin: germline.
Comment: This sequence change replaces isoleucine, which is neutral and non-polar, with valine, which is neutral and non-polar, at codon 137 of the KCNA1 protein (p.Ile137Val). This variant is present in population databases (no rsID available, gnomAD 0.003%). This variant has not been reported in the literature in individuals affected with KCNA1-related conditions. Advanced modeling of protein sequence and biophysical properties (such as structural, functional, and spatial information, amino acid conservation, physicochemical variation, residue mobility, and thermodynamic stability) performed at Invitae indicates that this missense variant is not expected to disrupt KCNA1 protein function with a negative predictive value of 80%. In summary, the available evidence is currently insufficient to determine the role of this variant in disease. Therefore, it has been classified as a Variant of Uncertain Significance.

Blueprint Genetics
Classification: Uncertain significance. Last evaluated: 2017-08-08. Review status: criteria provided, single submitter. Criteria: ACMG Guidelines, 2015. Collection method: clinical testing. Allele origin: germline.